The following is an entry in ClinVar:

ClinVar aggregate classification (germline): Pathogenic. Review status: criteria provided, multiple submitters, no conflicts (2 of 4 stars). 5 submissions from 5 submitters: Pathogenic (3). 2 of the submissions do not count toward it. Last evaluated 2026-01-19.

Conditions:
Primary hyperoxaluria type 3. Also called: PH III. Identifiers: Orphanet 416, Orphanet 93600, MedGen C3150878, MONDO:0013327, OMIM 613616. Disease mechanism: loss of function.

Allele frequency attached by ClinVar (database versions not stated): ExAC 0.00001; gnomAD 0.00001; gnomAD exomes 0.00001.
gnomAD v4.1: 7 of 1,613,468 alleles (0.00043%); highest among the groups gnomAD compares: Non-Finnish European, 0.00059%; no homozygotes.

Submissions (5):

Labcorp Genetics (formerly Invitae), Labcorp
Classification: Pathogenic. Last evaluated: 2026-01-19. Review status: criteria provided, single submitter. Criteria: Invitae Variant Classification Sherloc (09022015). Collection method: clinical testing. Allele origin: germline.
Comment: This sequence change creates a premature translational stop signal (p.Tyr39*) in the HOGA1 gene. It is expected to result in an absent or disrupted protein product. Loss-of-function variants in HOGA1 are known to be pathogenic (PMID: 22391140, 22781098). This variant is present in population databases (rs746419489, gnomAD 0.002%). This premature translational stop signal has been observed in individual(s) with primary hyperoxaluria (PMID: 22391140). ClinVar contains an entry for this variant (Variation ID: 204268). For these reasons, this variant has been classified as Pathogenic.

Rare Kidney Stone Consortium and the Mayo Clinic Hyperoxaluria Center, Mayo Clinic
Classification: Pathogenic for Primary hyperoxaluria type 3. Last evaluated: 2025-10-03. Review status: criteria provided, single submitter. Criteria: ACMG Guidelines, 2015. Collection method: research. Allele origin: germline. Affected: yes. Observed: 1 variant allele.
Comment: ACMG:PVS1, PM2, PP5

MVZ Medizinische Genetik Mainz
Classification: Pathogenic for Primary hyperoxaluria type 3. Last evaluated: 2024-02-29. Review status: criteria provided, single submitter. Criteria: UK Practice Guidelines For Variant Classification V4 01 2020. Collection method: clinical testing. Allele origin: germline. Inheritance: Autosomal recessive inheritance. Affected: yes. Observed: 1 variant allele.
Comment: ACMG Criteria: PVS1,PM3,PM2_SUP,PP4

Natera, Inc.
Classification: Pathogenic for Primary hyperoxaluria type III. Last evaluated: 2020-12-24. Review status: no assertion criteria provided. Collection method: clinical testing. Allele origin: germline. Not counted in ClinVar's aggregate classification.

Clinical Biochemistry Laboratory, Health Services Laboratory
Classification: Pathogenic for Primary hyperoxaluria, type III. Last evaluated: 2014-11-27. Review status: no assertion criteria provided. Collection method: research. Allele origin: germline. Affected: yes. Not counted in ClinVar's aggregate classification.

Literature cited by the submitters: PubMed 22391140 (cited by 3 submitters); PubMed 22781098 (cited by Labcorp Genetics (formerly Invitae), Labcorp); PubMed 40794449 (cited by Rare Kidney Stone Consortium and the Mayo Clinic Hyperoxaluria Center, Mayo Clinic).

NM_138413.4(HOGA1):c.117C>A (p.Tyr39Ter)

Gene: HOGA1 (4-hydroxy-2-oxoglutarate aldolase 1; plus strand). Cytogenetic location: 10q24.2.
Variant type: single nucleotide variant.
Coding change: c.117C>A on transcript NM_138413.4 (MANE Select); coding-DNA position 117, C replaced by A.
Protein change: p.Tyr39Ter; replaces tyrosine 39 with a stop codon.
Molecular consequence: nonsense.
Genome position (GRCh38, 1-based): chr10:97,584,820, C>A. VCF-style: chr10-97584820-C-A. GRCh37 (hg19) VCF-style: chr10-99344577-C-A.
Other names: c.117C>A, p.Tyr39Ter (NM_001134670.2); short protein forms Y39*.
Identifiers: ClinVar variation 204268 (VCV000204268.12), dbSNP rs746419489, ClinGen allele CA203942.